The following is an entry in ClinVar:

ClinVar aggregate classification (germline): Uncertain significance. Review status: criteria provided, multiple submitters, no conflicts (2 of 4 stars). 2 submissions from 2 submitters: Uncertain significance (2). Last evaluated 2024-10-07.

Conditions:
Dyskeratosis congenita, autosomal recessive 5 (DKCB5). Identifiers: MedGen C3554656, MONDO:0014076, OMIM 615190.
Pulmonary fibrosis and/or bone marrow failure, Telomere-related, 3. Also called: PULMONARY FIBROSIS AND/OR BONE MARROW FAILURE SYNDROME, TELOMERE-RELATED, 3. Identifiers: Orphanet 2032, MedGen C4225346, MONDO:0014613, OMIM 616373.
Inborn genetic diseases. Identifiers: MedGen C0950123, MeSH D030342.

gnomAD v4.1: 1 of 1,555,716 alleles (0.000064%); highest among the groups gnomAD compares: African/African-American, 0.0014%; no homozygotes.

Submissions (2):

Ambry Genetics
Classification: Uncertain significance for Inborn genetic diseases. Last evaluated: 2024-10-07. Review status: criteria provided, single submitter. Criteria: Ambry Variant Classification Scheme 2023. Collection method: clinical testing. Allele origin: germline.

Labcorp Genetics (formerly Invitae), Labcorp
Classification: Uncertain significance for Dyskeratosis congenita, autosomal recessive 5; Pulmonary fibrosis and/or bone marrow failure, Telomere-related, 3. Last evaluated: 2024-09-22. Review status: criteria provided, single submitter. Criteria: Invitae Variant Classification Sherloc (09022015). Collection method: clinical testing. Allele origin: germline.
Comment: This sequence change replaces glycine, which is neutral and non-polar, with arginine, which is basic and polar, at codon 846 of the RTEL1 protein (p.Gly846Arg). This variant is not present in population databases (gnomAD no frequency). This variant has not been reported in the literature in individuals affected with RTEL1-related conditions. An algorithm developed to predict the effect of missense changes on protein structure and function outputs the following: PolyPhen-2: "Benign". The arginine amino acid residue is found in multiple mammalian species, which suggests that this missense change does not adversely affect protein function. In summary, the available evidence is currently insufficient to determine the role of this variant in disease. Therefore, it has been classified as a Variant of Uncertain Significance.

NM_001283009.2(RTEL1):c.2536G>C (p.Gly846Arg)

Genes: RTEL1 (regulator of telomere elongation helicase 1; plus strand), RTEL1-TNFRSF6B (RTEL1-TNFRSF6B readthrough (NMD candidate); plus strand). Cytogenetic location: 20q13.33.
Variant type: single nucleotide variant.
Coding change: c.2536G>C on transcript NM_001283009.2 (MANE Select); coding-DNA position 2536, G replaced by C.
Protein change: p.Gly846Arg; replaces glycine 846 with arginine.
Molecular consequence: missense variant. On other transcripts: non-coding transcript variant (1).
Genome position (GRCh38, 1-based): chr20:63,690,927, G>C. VCF-style: chr20-63690927-G-C. GRCh37 (hg19) VCF-style: chr20-62322280-G-C.
Other names: c.1867G>C, p.Gly623Arg (NM_001283010.1); c.2536G>C, p.Gly846Arg (NM_016434.4); c.2608G>C, p.Gly870Arg (NM_032957.5); short protein forms G870R, G623R, G846R.
Identifiers: ClinVar variation 3436065 (VCV003436065.3).